The following is an entry in ClinVar:

ClinVar aggregate classification (germline): Likely benign. Review status: criteria provided, multiple submitters, no conflicts (2 of 4 stars). 5 submissions from 5 submitters: Likely benign (5). Last evaluated 2026-02-04.

Conditions:
Charcot-Marie-Tooth disease dominant intermediate E. Also called: CHARCOT-MARIE-TOOTH NEUROPATHY WITH FOCAL SEGMENTAL GLOMERULONEPHRITIS. Identifiers: Orphanet 93114, MedGen C4302667, MONDO:0013758, OMIM 614455.
Focal segmental glomerulosclerosis 5 (FSGS5). Identifiers: Orphanet 656, MedGen C2750475, MONDO:0013191, OMIM 613237.
Inborn genetic diseases. Identifiers: MedGen C0950123, MeSH D030342.
INF2-related disorder. Also called: INF2-related condition.

Allele frequency attached by ClinVar (database versions not stated): ExAC 0.00004; gnomAD exomes 0.00005 and 0.00019; ESP Exome Variant Server 0.00008; gnomAD 0.00011; TOPMed 0.00012.
gnomAD v4.1: 284 of 1,603,722 alleles (0.018%); highest among the groups gnomAD compares: Non-Finnish European, 0.022%; no homozygotes.

Submissions (5):

PreventionGenetics, part of Exact Sciences
Classification: Likely benign for INF2-related condition. Last evaluated: 2026-02-04. Review status: criteria provided, single submitter. Criteria: ACMG Guidelines, 2015. Collection method: clinical testing. Allele origin: germline.
Comment: This variant is classified as likely benign based on ACMG/AMP sequence variant interpretation guidelines (Richards et al. 2015 PMID: 25741868, with internal and published modifications).

Labcorp Genetics (formerly Invitae), Labcorp
Classification: Likely benign for Charcot-Marie-Tooth disease dominant intermediate E; Focal segmental glomerulosclerosis 5. Last evaluated: 2025-10-19. Review status: criteria provided, single submitter. Criteria: Invitae Variant Classification Sherloc (09022015). Collection method: clinical testing. Allele origin: germline.

CeGaT Center for Human Genetics Tuebingen
Classification: Likely benign. Last evaluated: 2022-04-01. Review status: criteria provided, single submitter. Criteria: CeGaT Center For Human Genetics Tuebingen Variant Classification Criteria Version 2. Collection method: clinical testing. Allele origin: germline. Affected: yes. Observed: 1 variant allele.
Comment: INF2: BP4, BS2

Fulgent Genetics
Classification: Likely benign for Focal segmental glomerulosclerosis 5; Charcot-Marie-Tooth disease dominant intermediate E. Last evaluated: 2021-09-27. Review status: criteria provided, single submitter. Criteria: ACMG Guidelines, 2015. Collection method: clinical testing. Allele origin: unknown.

Ambry Genetics
Classification: Likely benign for Inborn genetic diseases. Last evaluated: 2021-05-28. Review status: criteria provided, single submitter. Criteria: Ambry Variant Classification Scheme 2023. Collection method: clinical testing. Allele origin: germline.

NM_022489.4(INF2):c.844-6G>A

Gene: INF2 (inverted formin 2; plus strand). Cytogenetic location: 14q32.33.
Variant type: single nucleotide variant.
Coding change: c.844-6G>A on transcript NM_022489.4 (MANE Select); 6 bases into the intron before coding-DNA position 844, G replaced by A.
Molecular consequence: intron variant.
Genome position (GRCh38, 1-based): chr14:104,706,904, G>A. VCF-style: chr14-104706904-G-A. GRCh37 (hg19) VCF-style: chr14-105173241-G-A.
Other names: c.844-6G>A (NM_001031714.4).
Identifiers: ClinVar variation 472871 (VCV000472871.46), dbSNP rs370399987, ClinGen allele CA7372449.
Genomic context (GRCh38, chr14:104,706,904, plus strand): 5'-GCCACAGTCCTTAGTCCACCAGGGAGGGGCCGGCTGCTGACCTGCACCCCACACTCGCCC[G>A]TCCAGGTGAGCTGCTCCCCGGTGTCTGCCCAGCTCCTGTCGGTGCTGCAGGGCCTCCTGC-3'